The following is an entry in ClinVar:

NC_000023.11:g.(?_32438221)_(32699313_?)del

Genes: DMD (dystrophin; minus strand), MIR3915 (microRNA 3915; minus strand), MIR548F5 (microRNA 548f-5; minus strand). Cytogenetic location: Xp21.1.
Variant type: Deletion.
Identifiers: ClinVar variation 584162 (VCV000584162.4).

ClinVar aggregate classification (germline): Pathogenic (1 of 4 stars; one submission).

Conditions:
Duchenne muscular dystrophy (DMD). Also called: MUSCULAR DYSTROPHY, PSEUDOHYPERTROPHIC PROGRESSIVE, DUCHENNE TYPE; Duchenne Muscular Dystrophy (DMD). Identifiers: Orphanet 98896, MedGen C0013264, MONDO:0010679, OMIM 310200.

Submission:

Labcorp Genetics (formerly Invitae), Labcorp
Classification: Pathogenic for Duchenne muscular dystrophy. Last evaluated: 2021-08-02. Review status: criteria provided, single submitter. Criteria: Invitae Variant Classification Sherloc (09022015). Collection method: clinical testing. Allele origin: germline.
Comment: For these reasons, this variant has been classified as Pathogenic. Loss-of-function variants in DMD are known to be pathogenic (PMID: 16770791, 25007885). This variant has been observed in an individual affected with muscular dystrophy (PMID:¬†18403565). This variant is an out-of-frame deletion of the genomic region encompassing exons 8-29 of the DMD gene. This is expected to create a premature translational stop signal and result in an absent or disrupted protein product.

Literature cited by the submitters: PubMed 16770791; PubMed 25007885.